The following is an entry in ClinVar:

NM_020297.4(ABCC9):c.1196C>G (p.Ser399Cys)

Gene: ABCC9 (ATP binding cassette subfamily C member 9; minus strand). Cytogenetic location: 12p12.1.
Variant type: single nucleotide variant.
Coding change: c.1196C>G on transcript NM_020297.4 (MANE Select); coding-DNA position 1196, C replaced by G.
Protein change: p.Ser399Cys; replaces serine 399 with cysteine.
Molecular consequence: missense variant.
Genome position (GRCh38, 1-based): chr12:21,910,281, G>C on the plus strand (C>G on the coding strand, the complement: ABCC9 is on the minus strand). VCF-style: chr12-21910281-G-C. GRCh37 (hg19) VCF-style: chr12-22063215-G-C.
Other names: p.Ser399Cys; c.1196C>G, p.Ser399Cys (NM_001377273.1, NM_005691.4); c.332C>G, p.Ser111Cys (NM_001377274.1); short protein forms S111C, S399C.
Identifiers: ClinVar variation 3781343 (VCV003781343.1).

ClinVar aggregate classification (germline): Uncertain significance (1 of 4 stars; one submission).

Conditions:
Dilated cardiomyopathy 1O (CMD1O). Also called: CARDIOMYOPATHY, DILATED, WITH VENTRICULAR TACHYCARDIA. Identifiers: Orphanet 154, MedGen C1837839, MONDO:0012062, OMIM 608569.

Submission:

Foundation for Research in Genetics and Endocrinology, FRIGE's Institute of Human Genetics
Classification: Uncertain significance for Dilated cardiomyopathy 1O. Last evaluated: 2025-04-18. Review status: criteria provided, single submitter. Criteria: ACMG Guidelines, 2015. Collection method: clinical testing. Allele origin: germline. Inheritance: Autosomal dominant inheritance. Affected: yes. Observed: 1 heterozygote.
Comment: A heterozygous missense variant in exon 10 of the ABCC9 gene that results in an amino acid substitution of Cysteine for Serine at codon 399 was detected. The observed variant c.1196C>G (p.Ser399Cys) has not been reported in the 1000 genomes and gnomAD databases. The in-silico prediction of the variant are possibly disease causing by SIFT, LRT, PROVEAN and MutationTaster2. In summary, the variant meets our criteria to be classified as a variant of uncertain significance.